The following is an entry in ClinVar:

NM_004793.4(LONP1):c.765G>A (p.Pro255=)

Gene: LONP1 (lon peptidase 1, mitochondrial; minus strand). Cytogenetic location: 19p13.3.
Variant type: single nucleotide variant.
Coding change: c.765G>A on transcript NM_004793.4 (MANE Select); coding-DNA position 765, G replaced by A.
Protein change: p.Pro255=; no amino-acid change (proline 255 retained).
Molecular consequence: synonymous variant. On other transcripts: non-coding transcript variant (1).
Genome position (GRCh38, 1-based): chr19:5,711,876, C>T on the plus strand (G>A on the coding strand, the complement: LONP1 is on the minus strand). VCF-style: chr19-5711876-C-T. GRCh37 (hg19) VCF-style: chr19-5711887-C-T.
Other names: c.573G>A, p.Pro191= (NM_001276479.2); c.177G>A, p.Pro59= (NM_001276480.1).
Identifiers: ClinVar variation 1590431 (VCV001590431.32), dbSNP rs558986758, ClinGen allele CA9114976.
Genomic context (GRCh38, chr19:5,711,876, plus strand): 5'-TACCTCCACCATGAGCACCTCAGCCGGGAGCTCAGGGGTGGGCTCCATCGCCAGCTCCGC[C>T]GGGTGCCTGGCGCTCAGCTCGTCCTCCGCCTCCTTCTTGCCCCGCTTTGACTTCCTGCGG-3'
Protein context (NP_004784.2, residues 245-265): EAEDELSARH[Pro255=]AELAMEPTPE

ClinVar aggregate classification (germline): Likely benign. Review status: criteria provided, multiple submitters, no conflicts (2 of 4 stars). 2 submissions from 2 submitters: Likely benign (2). Last evaluated 2025-08-03.

Allele frequency attached by ClinVar (database versions not stated): ExAC 0.00003; gnomAD exomes 0.00003 and 0.00004; gnomAD 0.00005; TOPMed 0.00007; 1000 Genomes Project 30x 0.00016; 1000 Genomes Project 0.00020.

Submissions (2):

Labcorp Genetics (formerly Invitae), Labcorp
Classification: Likely benign. Last evaluated: 2025-08-03. Review status: criteria provided, single submitter. Criteria: Invitae Variant Classification Sherloc (09022015). Collection method: clinical testing. Allele origin: germline.

CeGaT Center for Human Genetics Tuebingen
Classification: Likely benign. Last evaluated: 2023-03-01. Review status: criteria provided, single submitter. Criteria: CeGaT Center For Human Genetics Tuebingen Variant Classification Criteria Version 2. Collection method: clinical testing. Allele origin: germline. Affected: yes. Observed: 1 variant allele.
Comment: LONP1: BP4, BP7